The following is an entry in ClinVar:

ClinVar aggregate classification (germline): Likely pathogenic (1 of 4 stars; one submission).

Conditions:
Marfan syndrome (MFS). Also called: MARFAN SYNDROME, TYPE I; Marfan syndrome type 1; Marfan's syndrome; FBN1-Related Marfan Syndrome; Marfan syndrome, classic. Identifiers: Orphanet 284963, Orphanet 558, MedGen C0024796, MONDO:0007947, OMIM 154700.

Submission:

Juno Genomics, Hangzhou Juno Genomics, Inc
Classification: Likely pathogenic for Marfan syndrome. Review status: criteria provided, single submitter. Criteria: ACMG Guidelines, 2015. Collection method: clinical testing. Allele origin: germline. Affected: yes.
Comment: Absent from controls (or at extremely low frequency if recessive) in Genome Aggregation Database, Exome Sequencing Project, 1000 Genomes Project, or Exome Aggregation Consortium.;Null variant in a gene where loss of function (LOF) is a known mechanism of disease.

NM_000138.5(FBN1):c.4475del (p.Leu1492fs)

Gene: FBN1 (fibrillin 1; minus strand). Cytogenetic location: 15q21.1.
Variant type: Deletion.
Coding change: c.4475del on transcript NM_000138.5 (MANE Select); coding-DNA position 4475, one base deleted (T; older notation c.4475delT).
Protein change: p.Leu1492fs; shifts the reading frame from leucine 1492.
Molecular consequence: frameshift variant.
Genome position (GRCh38, 1-based): chr15:48,468,519, A deleted on the plus strand (T on the coding strand, the reverse complement: FBN1 is on the minus strand). VCF-style (leftmost placement, unchanged base first): chr15-48468518-CA-C. GRCh37 (hg19) VCF-style: chr15-48760715-CA-C.
Other names: c.4475del, p.Leu1492fs (NM_001406716.1); short protein forms L1492fs.
Identifiers: ClinVar variation 3382252 (VCV003382252.2).